The following is an entry in ClinVar:

NM_014714.4(IFT140):c.1646C>T (p.Ser549Phe)

Gene: IFT140 (intraflagellar transport 140; minus strand). Cytogenetic location: 16p13.3.
Variant type: single nucleotide variant.
Coding change: c.1646C>T on transcript NM_014714.4 (MANE Select); coding-DNA position 1646, C replaced by T.
Protein change: p.Ser549Phe; replaces serine 549 with phenylalanine.
Molecular consequence: missense variant.
Genome position (GRCh38, 1-based): chr16:1,571,413, G>A on the plus strand (C>T on the coding strand, the complement: IFT140 is on the minus strand). VCF-style: chr16-1571413-G-A. GRCh37 (hg19) VCF-style: chr16-1621414-G-A.
Other names: short protein forms S549F.
Identifiers: ClinVar variation 318190 (VCV000318190.15), dbSNP rs751137317, ClinGen allele CA7814206.

ClinVar aggregate classification (germline): Uncertain significance. Review status: criteria provided, multiple submitters, no conflicts (2 of 4 stars). 5 submissions from 5 submitters: Uncertain significance (5). Last evaluated 2026-01-19.

Conditions:
Inborn genetic diseases. Identifiers: MedGen C0950123, MeSH D030342.
Saldino-Mainzer syndrome (SRTD9). Also called: short-rib thoracic dysplasia 9 with or without polydactyly; CONORENAL SYNDROME; Renal dysplasia, retinal pigmentary dystrophy, cerebellar ataxia and skeletal dysplasia; SHORT-RIB THORACIC DYSPLASIA 9 WITHOUT POLYDACTYLY. Identifiers: Orphanet 140969, MedGen C1849437, MONDO:0009964, OMIM 266920.
Retinitis pigmentosa 80 (RP80). Identifiers: MedGen C4540439, MONDO:0054708, OMIM 617781.

Allele frequency attached by ClinVar (database versions not stated): ExAC 0.00005; TOPMed 0.00005; gnomAD 0.00006 and 0.00008; gnomAD exomes 0.00007 and 0.00008.
gnomAD v4.1: 111 of 1,609,590 alleles (0.0069%); highest among the groups gnomAD compares: Admixed American, 0.019%; no homozygotes.

Submissions (5):

Labcorp Genetics (formerly Invitae), Labcorp
Classification: Uncertain significance for Saldino-Mainzer syndrome. Last evaluated: 2026-01-19. Review status: criteria provided, single submitter. Criteria: Invitae Variant Classification Sherloc (09022015). Collection method: clinical testing. Allele origin: germline.
Comment: This sequence change replaces serine, which is neutral and polar, with phenylalanine, which is neutral and non-polar, at codon 549 of the IFT140 protein (p.Ser549Phe). This variant is present in population databases (rs751137317, gnomAD 0.02%). This variant has not been reported in the literature in individuals affected with IFT140-related conditions. ClinVar contains an entry for this variant (Variation ID: 318190). Invitae Evidence Modeling of protein sequence and biophysical properties (such as structural, functional, and spatial information, amino acid conservation, physicochemical variation, residue mobility, and thermodynamic stability) has been performed for this missense variant. However, the output from this modeling did not meet the statistical confidence thresholds required to predict the impact of this variant on IFT140 protein function. In summary, the available evidence is currently insufficient to determine the role of this variant in disease. Therefore, it has been classified as a Variant of Uncertain Significance.

Ambry Genetics
Classification: Uncertain significance for Inborn genetic diseases. Last evaluated: 2025-09-11. Review status: criteria provided, single submitter. Criteria: Ambry Variant Classification Scheme 2023. Collection method: clinical testing. Allele origin: germline.

Blueprint Genetics
Classification: Uncertain significance. Last evaluated: 2024-06-10. Review status: criteria provided, single submitter. Criteria: ACMG Guidelines, 2015. Collection method: clinical testing. Allele origin: germline.

Fulgent Genetics
Classification: Uncertain significance for Saldino-Mainzer syndrome; Retinitis pigmentosa 80. Last evaluated: 2022-04-11. Review status: criteria provided, single submitter. Criteria: ACMG Guidelines, 2015. Collection method: clinical testing. Allele origin: unknown.

Illumina Laboratory Services, Illumina
Classification: Uncertain significance for Saldino-Mainzer syndrome. Last evaluated: 2018-01-13. Review status: criteria provided, single submitter. Criteria: ICSL Variant Classification Criteria 13 December 2019. Collection method: clinical testing. Allele origin: germline.